The following is an entry in ClinVar:

ClinVar aggregate classification (germline): Uncertain significance (1 of 4 stars; one submission).

Conditions:
Charcot-Marie-Tooth disease axonal type 2F (CMT2F). Also called: Charcot-Marie-Tooth Neuropathy Type 2F; CHARCOT-MARIE-TOOTH DISEASE, NEURONAL, TYPE 2F. Identifiers: Orphanet 99940, MedGen C1847823, MONDO:0011687, OMIM 606595.

Submission:

Labcorp Genetics (formerly Invitae), Labcorp
Classification: Uncertain significance for Charcot-Marie-Tooth disease axonal type 2F. Last evaluated: 2022-07-06. Review status: criteria provided, single submitter. Criteria: Invitae Variant Classification Sherloc (09022015). Collection method: clinical testing. Allele origin: germline.
Comment: In summary, the available evidence is currently insufficient to determine the role of this variant in disease. Therefore, it has been classified as a Variant of Uncertain Significance. Experimental studies and prediction algorithms are not available or were not evaluated, and the functional significance of this variant is currently unknown. This variant has not been reported in the literature in individuals affected with HSPB1-related conditions. This variant is not present in population databases (gnomAD no frequency). This variant, c.466_468del, results in the deletion of 1 amino acid(s) of the HSPB1 protein (p.Ser156del), but otherwise preserves the integrity of the reading frame.

NM_001540.5(HSPB1):c.460TCC[2] (p.Ser156del)

Gene: HSPB1 (heat shock protein family B (small) member 1; plus strand). Cytogenetic location: 7q11.23.
Variant type: Microsatellite.
Coding change: c.460TCC[2] on transcript NM_001540.5 (MANE Select); two copies in a row of the 3-base unit TCC starting at c.460; the reference has three copies in a row; one copy, 3 bases deleted.
Protein change: p.Ser156del; deletes serine 156.
Molecular consequence: inframe deletion.
Genome position (GRCh38, 1-based): chr7:76,304,021-76,304,023, TCC deleted; deleting any 3 consecutive bases within chr7:76,304,015-76,304,023 gives the same sequence; the position shown is the placement nearest the transcript's 3' end. VCF-style (leftmost placement, unchanged base first): chr7-76304014-TTCC-T. GRCh37 (hg19) VCF-style: chr7-75933331-TTCC-T.
Other names: short protein forms S156del.
Identifiers: ClinVar variation 1394458 (VCV001394458.8), dbSNP rs2117161860, ClinGen allele CA2578917000.